The following is an entry in ClinVar:

NM_176787.5(PIGN):c.1826C>T (p.Pro609Leu)

Gene: PIGN (phosphatidylinositol glycan anchor biosynthesis class N; minus strand). Cytogenetic location: 18q21.33.
Variant type: single nucleotide variant.
Coding change: c.1826C>T on transcript NM_176787.5 (MANE Select); coding-DNA position 1826, C replaced by T.
Protein change: p.Pro609Leu; replaces proline 609 with leucine.
Molecular consequence: missense variant.
Genome position (GRCh38, 1-based): chr18:62,105,576, G>A on the plus strand (C>T on the coding strand, the complement: PIGN is on the minus strand). VCF-style: chr18-62105576-G-A. GRCh37 (hg19) VCF-style: chr18-59772809-G-A.
Other names: c.1826C>T, p.Pro609Leu (NM_012327.6); short protein forms P609L.
Identifiers: ClinVar variation 839726 (VCV000839726.16), dbSNP rs371792847, ClinGen allele CA8982164.

ClinVar aggregate classification (germline): Uncertain significance. Review status: criteria provided, multiple submitters, no conflicts (2 of 4 stars). 4 submissions from 4 submitters: Uncertain significance (4). Last evaluated 2025-05-25.

Conditions:
Inborn genetic diseases. Identifiers: MedGen C0950123, MeSH D030342.
Multiple congenital anomalies-hypotonia-seizures syndrome 1 (MCAHS1). Also called: PIGN-CDG; Congenital disorder of glycosylation due to PIGN deficiency; GLYCOSYLPHOSPHATIDYLINOSITOL BIOSYNTHESIS DEFECT 3. Identifiers: Orphanet 280633, MedGen C3279775, MONDO:0013563, OMIM 614080.

Allele frequency attached by ClinVar (database versions not stated): gnomAD 0.00003 and 0.00004; gnomAD exomes 0.00005 and 0.00010; TOPMed 0.00006; ExAC 0.00013; ESP Exome Variant Server 0.00017.
gnomAD v4.1: 145 of 1,553,316 alleles (0.0093%); highest among the groups gnomAD compares: Non-Finnish European, 0.012%; no homozygotes.

Submissions (4):

Ambry Genetics
Classification: Uncertain significance for Inborn genetic diseases. Last evaluated: 2025-05-25. Review status: criteria provided, single submitter. Criteria: Ambry Variant Classification Scheme 2023. Collection method: clinical testing. Allele origin: germline.

Blueprint Genetics
Classification: Uncertain significance. Last evaluated: 2024-11-17. Review status: criteria provided, single submitter. Criteria: ACMG Guidelines, 2015. Collection method: clinical testing. Allele origin: germline.

Labcorp Genetics (formerly Invitae), Labcorp
Classification: Uncertain significance for Multiple congenital anomalies-hypotonia-seizures syndrome 1. Last evaluated: 2024-08-04. Review status: criteria provided, single submitter. Criteria: Invitae Variant Classification Sherloc (09022015). Collection method: clinical testing. Allele origin: germline.
Comment: This sequence change replaces proline, which is neutral and non-polar, with leucine, which is neutral and non-polar, at codon 609 of the PIGN protein (p.Pro609Leu). The frequency data for this variant in the population databases is considered unreliable, as metrics indicate poor data quality at this position in the gnomAD database. This variant has not been reported in the literature in individuals affected with PIGN-related conditions. ClinVar contains an entry for this variant (Variation ID: 839726). Advanced modeling of protein sequence and biophysical properties (such as structural, functional, and spatial information, amino acid conservation, physicochemical variation, residue mobility, and thermodynamic stability) performed at Invitae indicates that this missense variant is expected to disrupt PIGN protein function with a positive predictive value of 80%. In summary, the available evidence is currently insufficient to determine the role of this variant in disease. Therefore, it has been classified as a Variant of Uncertain Significance.

GeneDx
Classification: Uncertain significance. Last evaluated: 2023-04-19. Review status: criteria provided, single submitter. Criteria: GeneDx Variant Classification Process June 2021. Collection method: clinical testing. Allele origin: germline. Affected: yes.
Comment: Not observed at significant frequency in large population cohorts (gnomAD); In silico analysis supports that this missense variant has a deleterious effect on protein structure/function; Has not been previously published as pathogenic or benign to our knowledge